The following is an entry in ClinVar:

ClinVar aggregate classification (germline): Benign. Review status: criteria provided, multiple submitters, no conflicts (2 of 4 stars). 7 submissions from 7 submitters: Benign (5). 2 of the submissions do not count toward it. Last evaluated 2026-01-18.

Conditions:
Hereditary sensory neuropathy-deafness-dementia syndrome. Also called: Hereditary sensory neuropathy type IE; Hereditary Sensory and Autonomic Neuropathy Type 1E (HSAN1E); HSN IE; NEUROPATHY, HEREDITARY SENSORY, WITH HEARING LOSS AND DEMENTIA. Identifiers: Orphanet 456318, MedGen C3279885, MONDO:0013584, OMIM 614116.

Allele frequency attached by ClinVar (database versions not stated): ESP Exome Variant Server 0.00054; gnomAD exomes 0.00230 and 0.00627; gnomAD 0.00240 and 0.00273; TOPMed 0.00340; ExAC 0.00603; 1000 Genomes Project 30x 0.00781; 1000 Genomes Project 0.00799.
gnomAD v4.1: 3,877 of 1,614,188 alleles (0.24%); highest among the groups gnomAD compares: East Asian, 5.9%; 88 homozygotes.

Submissions (7):

Labcorp Genetics (formerly Invitae), Labcorp
Classification: Benign for Hereditary sensory neuropathy-deafness-dementia syndrome. Last evaluated: 2026-01-18. Review status: criteria provided, single submitter. Criteria: Invitae Variant Classification Sherloc (09022015). Collection method: clinical testing. Allele origin: germline.

Mayo Clinic Laboratories, Mayo Clinic
Classification: Benign. Last evaluated: 2023-10-08. Review status: criteria provided, single submitter. Criteria: ACMG Guidelines, 2015. Collection method: clinical testing. Allele origin: germline. Observed: 7 variant alleles.

Illumina Laboratory Services, Illumina
Classification: Benign for Hereditary sensory neuropathy-deafness-dementia syndrome. Last evaluated: 2018-01-12. Review status: criteria provided, single submitter. Criteria: ICSL Variant Classification Criteria 13 December 2019. Collection method: clinical testing. Allele origin: germline.
Comment: This variant was observed in the ICSL laboratory as part of a predisposition screen in an ostensibly healthy population. It had not been previously curated by ICSL or reported in the Human Gene Mutation Database (HGMD: prior to June 1st, 2018), and was therefore a candidate for classification through an automated scoring system. Utilizing variant allele frequency, disease prevalence and penetrance estimates, and inheritance mode, an automated score was calculated to assess if this variant is too frequent to cause the disease. Based on the score and internal cut-off values, a variant classified as benign is not then subjected to further curation. The score for this variant resulted in a classification of benign for this disease.

GeneDx
Classification: Benign. Last evaluated: 2015-03-03. Review status: criteria provided, single submitter. Criteria: GeneDx Variant Classification Process June 2021. Collection method: clinical testing. Allele origin: germline. Affected: yes.

Breakthrough Genomics
Classification: Benign. Review status: criteria provided, single submitter. Criteria: ACMG Guidelines, 2015. Collection method: not provided. Allele origin: germline. Inheritance: Autosomal dominant inheritance. Affected: yes.

Clinical Genetics, Academic Medical Center
Classification: Benign. Review status: no assertion criteria provided. Collection method: clinical testing. Allele origin: germline. Affected: yes. Study: VKGL Data-share Consensus. Not counted in ClinVar's aggregate classification.

Laboratory of Diagnostic Genome Analysis, Leiden University Medical Center (LUMC)
Classification: Likely benign. Review status: no assertion criteria provided. Collection method: clinical testing. Allele origin: germline. Affected: yes. Study: VKGL Data-share Consensus. Not counted in ClinVar's aggregate classification.

NM_001130823.3(DNMT1):c.358G>C (p.Val120Leu)

Gene: DNMT1 (DNA methyltransferase 1; minus strand). Cytogenetic location: 19p13.2.
Variant type: single nucleotide variant.
Coding change: c.358G>C on transcript NM_001130823.3 (MANE Select); coding-DNA position 358, G replaced by C.
Protein change: p.Val120Leu; replaces valine 120 with leucine.
Molecular consequence: missense variant. On other transcripts: 5 prime UTR variant (1).
Genome position (GRCh38, 1-based): chr19:10,180,437, C>G on the plus strand (G>C on the coding strand, the complement: DNMT1 is on the minus strand). VCF-style: chr19-10180437-C-G. GRCh37 (hg19) VCF-style: chr19-10291113-C-G.
Other names: p.Val120Leu; c.358G>C (LRG_362t1); c.358G>C, p.Val120Leu (NM_001318730.2, NM_001379.4); c.-6G>C (NM_001318731.2); short protein forms V120L.
Identifiers: ClinVar variation 327927 (VCV000327927.22), dbSNP rs75616428, ClinGen allele CA9188782.